The following is an entry in ClinVar:

ClinVar aggregate classification (germline): Uncertain significance (1 of 4 stars; one submission).

Allele frequency attached by ClinVar (database versions not stated): gnomAD 0.00001.
gnomAD v4.1: 1 of 1,614,038 alleles (0.000062%); highest among the groups gnomAD compares: Non-Finnish European, 0.000085%; no homozygotes.

Submission:

GeneDx
Classification: Uncertain significance. Last evaluated: 2022-08-17. Review status: criteria provided, single submitter. Criteria: GeneDx Variant Classification Process June 2021. Collection method: clinical testing. Allele origin: germline. Affected: yes.
Comment: Not observed at significant frequency in large population cohorts (gnomAD); In silico analysis supports that this missense variant has a deleterious effect on protein structure/function; Has not been previously published as pathogenic or benign to our knowledge

NM_013275.6(ANKRD11):c.2566G>T (p.Asp856Tyr)

Gene: ANKRD11 (ankyrin repeat domain containing 11; minus strand). Cytogenetic location: 16q24.3.
Variant type: single nucleotide variant.
Coding change: c.2566G>T on transcript NM_013275.6 (MANE Select); coding-DNA position 2566, G replaced by T.
Protein change: p.Asp856Tyr; replaces aspartic acid 856 with tyrosine.
Molecular consequence: missense variant.
Genome position (GRCh38, 1-based): chr16:89,283,976, C>A on the plus strand (G>T on the coding strand, the complement: ANKRD11 is on the minus strand). VCF-style: chr16-89283976-C-A. GRCh37 (hg19) VCF-style: chr16-89350384-C-A.
Other names: c.2566G>T, p.Asp856Tyr (NM_001256182.2, NM_001256183.2); short protein forms D856Y.
Identifiers: ClinVar variation 2430751 (VCV002430751.1), dbSNP rs563168620, ClinGen allele CA286519216.